The following is an entry in ClinVar:

ClinVar aggregate classification (germline): Uncertain significance (1 of 4 stars; one submission).

Conditions:
Hereditary spastic paraplegia 11. Also called: SPASTIC PARAPLEGIA, AUTOSOMAL RECESSIVE, COMPLICATED, WITH THIN CORPUS CALLOSUM; SPASTIC PARAPLEGIA, AUTOSOMAL RECESSIVE, WITH MENTAL IMPAIRMENT AND THIN CORPUS CALLOSUM; Spastic Paraplegia 11; Nakamura Osame syndrome; Autosomal recessive hereditary spastic paraplegia, mental impairment, and thin corpus callosum; Spastic paraplegia, mental retardation and thin corpus callosum. Identifiers: Orphanet 2822, MedGen C1858479, MONDO:0011445, OMIM 604360.

Allele frequency attached by ClinVar (database versions not stated): gnomAD exomes below 0.00001.
gnomAD v4.1: 2 of 1,614,218 alleles (0.00012%); highest among the groups gnomAD compares: South Asian, 0.0011%; no homozygotes.

Submission:

Labcorp Genetics (formerly Invitae), Labcorp
Classification: Uncertain significance for Hereditary spastic paraplegia 11. Last evaluated: 2022-07-17. Review status: criteria provided, single submitter. Criteria: Invitae Variant Classification Sherloc (09022015). Collection method: clinical testing. Allele origin: germline.
Comment: This sequence change replaces isoleucine, which is neutral and non-polar, with threonine, which is neutral and polar, at codon 176 of the SPG11 protein (p.Ile176Thr). This variant is not present in population databases (gnomAD no frequency). This variant has not been reported in the literature in individuals affected with SPG11-related conditions. ClinVar contains an entry for this variant (Variation ID: 952200). Algorithms developed to predict the effect of missense changes on protein structure and function are either unavailable or do not agree on the potential impact of this missense change (SIFT: "Deleterious"; PolyPhen-2: "Benign"; Align-GVGD: "Class C0"). In summary, the available evidence is currently insufficient to determine the role of this variant in disease. Therefore, it has been classified as a Variant of Uncertain Significance.

NM_025137.4(SPG11):c.527T>C (p.Ile176Thr)

Gene: SPG11 (SPG11 vesicle trafficking associated, spatacsin; minus strand). Cytogenetic location: 15q21.1.
Variant type: single nucleotide variant.
Coding change: c.527T>C on transcript NM_025137.4 (MANE Select); coding-DNA position 527, T replaced by C.
Protein change: p.Ile176Thr; replaces isoleucine 176 with threonine.
Molecular consequence: missense variant.
Genome position (GRCh38, 1-based): chr15:44,659,219, A>G on the plus strand (T>C on the coding strand, the complement: SPG11 is on the minus strand). VCF-style: chr15-44659219-A-G. GRCh37 (hg19) VCF-style: chr15-44951417-A-G.
Other names: c.527T>C, p.Ile176Thr (NM_001160227.2); short protein forms I176T.
Identifiers: ClinVar variation 952200 (VCV000952200.9), dbSNP rs2085031500, ClinGen allele CA392237863.